The following is an entry in ClinVar:

ClinVar aggregate classification (germline): Pathogenic (1 of 4 stars; one submission).

Conditions:
Mucopolysaccharidosis, MPS-II (MPS2). Also called: Hunter Syndrome; IDURONATE 2-SULFATASE DEFICIENCY; Mucopolysaccharidosis Type II; Mucopolysaccharidosis type 2; Attenuated MPS (subtype; formerly known as mild MPS II); Severe MPS II. Identifiers: Orphanet 580, Orphanet 79388, MedGen C0026705, MONDO:0010674, OMIM 309900.

Submission:

Laboratory of Diagnosis and Therapy of Lysosomal Disorders, University of Padova
Classification: Pathogenic for Mucopolysaccharidosis, MPS-II. Last evaluated: 2024-06-07. Review status: criteria provided, single submitter. Criteria: ACMG Guidelines, 2015. Collection method: literature only. Allele origin: germline. Affected: yes. Observed: 1 variant allele.
Comment: Null variant (PVS1_VeryStrong), Absent from controls (or at low frequency) in gnomAD database (PM2_Moderate), Patient’s phenotype or family history highly specific for the disease (PP4_Strong)

Classification method: ACMG Guidelines [PMID:25741868] with modifications

Literature cited by the submitters: PubMed 34813777.

NM_000202.8(IDS):c.507+1G>C

Genes: IDS (iduronate 2-sulfatase; minus strand), LOC106050102 (IDS recombination region; plus strand). Cytogenetic location: Xq28.
Variant type: single nucleotide variant.
Coding change: c.507+1G>C on transcript NM_000202.8 (MANE Select); the canonical splice donor site of the intron after coding-DNA position 507, G replaced by C.
Molecular consequence: splice donor variant.
Genome position (GRCh38, 1-based): chrX:149,500,948, C>G on the plus strand (G>C on the coding strand, the complement: IDS is on the minus strand). VCF-style: chrX-149500948-C-G. GRCh37 (hg19) VCF-style: chrX-148582479-C-G.
Other names: c.237+1G>C (NM_001166550.4); c.507+1G>C (NM_006123.5).
Identifiers: ClinVar variation 3255757 (VCV003255757.2).